The following is an entry in ClinVar:

NM_000542.5(SFTPB):c.754C>T (p.Arg252Cys)

Gene: SFTPB (surfactant protein B; minus strand). Cytogenetic location: 2p11.2.
Variant type: single nucleotide variant.
Coding change: c.754C>T on transcript NM_000542.5 (MANE Select); coding-DNA position 754, C replaced by T.
Protein change: p.Arg252Cys; replaces arginine 252 with cysteine.
Molecular consequence: missense variant.
Genome position (GRCh38, 1-based): chr2:85,663,766, G>A on the plus strand (C>T on the coding strand, the complement: SFTPB is on the minus strand). VCF-style: chr2-85663766-G-A. GRCh37 (hg19) VCF-style: chr2-85890889-G-A.
Other names: c.754C>T, p.Arg252Cys (NM_001367281.2, NM_198843.4); short protein forms R252C.
Identifiers: ClinVar variation 1761177 (VCV001761177.2), dbSNP rs772619023, ClinGen allele CA1743940.
Genomic context (GRCh38, chr2:85,663,766, plus strand): 5'-GGCAGACCAGCTGGGGCAGCATGCGGCCCAGCAGCGTGTCGAGCAGGATGACGGAGTAGC[G>A]CTCAGCCAGGCACTGGCAGATGCCGCCCGCCACCAGAGGTACCACGCGGCACACCTGGGC-3'
Protein context (NP_000533.4, residues 242-262): AGGICQCLAE[Arg252Cys]YSVILLDTLL

ClinVar aggregate classification (germline): Pathogenic (1 of 4 stars; one submission).

Conditions:
Hereditary pulmonary alveolar proteinosis. Also called: Pulmonary surfactant metabolism dysfunction. Identifiers: Orphanet 264675, MedGen C3711368, MONDO:0012580.

Allele frequency attached by ClinVar (database versions not stated): ExAC 0.00001; gnomAD 0.00002; TOPMed 0.00004.
gnomAD v4.1: 13 of 1,606,650 alleles (0.00081%); highest among the groups gnomAD compares: African/African-American, 0.004%; no homozygotes.

Submission:

Ambry Genetics
Classification: Pathogenic for Hereditary pulmonary alveolar proteinosis. Last evaluated: 2018-06-08. Review status: criteria provided, single submitter. Criteria: Ambry Variant Classification Scheme 2023. Collection method: clinical testing. Allele origin: germline.
Comment: The p.R264C pathogenic mutation (also known as c.790C>T), located in coding exon 7 of the SFTPB gene, results from a C to T substitution at nucleotide position 790. The arginine at codon 264 is replaced by cysteine, an amino acid with highly dissimilar properties. Western blot analysis demonstrated a markedly reduced mature surfactant protein B and aberrantly processed surfactant protein C in the lung tissue of this individual when compared to control individuals (Nogee LM et al. Am. J. Respir. Crit. Care Med., 2000 Mar;161:973-81). Based on the supporting evidence, this alteration is interpreted as a disease-causing mutation.

Literature cited by the submitters: PubMed 10712351.